The following is an entry in ClinVar:

NM_030957.4(ADAMTS10):c.*428A>G

Gene: ADAMTS10 (ADAM metallopeptidase with thrombospondin type 1 motif 10; minus strand). Cytogenetic location: 19p13.2.
Variant type: single nucleotide variant.
Coding change: c.*428A>G on transcript NM_030957.4 (MANE Select); 428 bases downstream of the stop codon, A replaced by G.
Molecular consequence: 3 prime UTR variant.
Genome position (GRCh38, 1-based): chr19:8,580,465, T>C on the plus strand (A>G on the coding strand, the complement: ADAMTS10 is on the minus strand). VCF-style: chr19-8580465-T-C. GRCh37 (hg19) VCF-style: chr19-8645349-T-C.
Other names: c.*428A>G (NM_001282352.2).
Identifiers: ClinVar variation 330569 (VCV000330569.6), dbSNP rs116024095, ClinGen allele CA10652339.
Genomic context (GRCh38, chr19:8,580,465, plus strand): 5'-GGTCAGGGGAGGGTGTCAGGGAGGTGGTGCTACCCCCCCCCCTCCCATAGCAGACACAGA[T>C]TCCCCCCCAGCTCGGAGTGGAGGGGTAGGGCAGTGCTGGGGGGCAGGGCACCGGCAGACC-3'

ClinVar aggregate classification (germline): Benign. Review status: criteria provided, multiple submitters, no conflicts (2 of 4 stars). 2 submissions from 2 submitters: Benign (2). Last evaluated 2018-01-13.

Conditions:
Weill-Marchesani syndrome. Also called: WM Syndrome; Mesodermal dysmorphodystrophy congenital. Identifiers: Orphanet 3449, MedGen C0265313, MONDO:0018096.

Allele frequency attached by ClinVar (database versions not stated): gnomAD 0.07160; 1000 Genomes Project 0.08067; 1000 Genomes Project 30x 0.08260; TOPMed 0.08312.

Submissions (2):

Illumina Laboratory Services, Illumina
Classification: Benign for Weill-Marchesani syndrome. Last evaluated: 2018-01-13. Review status: criteria provided, single submitter. Criteria: ICSL Variant Classification Criteria 13 December 2019. Collection method: clinical testing. Allele origin: germline.
Comment: This variant was observed in the ICSL laboratory as part of a predisposition screen in an ostensibly healthy population. It had not been previously curated by ICSL or reported in the Human Gene Mutation Database (HGMD: prior to June 1st, 2018), and was therefore a candidate for classification through an automated scoring system. Utilizing variant allele frequency, disease prevalence and penetrance estimates, and inheritance mode, an automated score was calculated to assess if this variant is too frequent to cause the disease. Based on the score and internal cut-off values, a variant classified as benign is not then subjected to further curation. The score for this variant resulted in a classification of benign for this disease.

Breakthrough Genomics
Classification: Benign. Review status: criteria provided, single submitter. Criteria: ACMG Guidelines, 2015. Collection method: not provided. Allele origin: germline. Inheritance: Autosomal recessive inheritance. Affected: yes.